The following is an entry in ClinVar:

ClinVar aggregate classification (germline): Uncertain significance (1 of 4 stars; one submission).

Submission:

Human Genome Sequencing Center Clinical Lab, Baylor College of Medicine
Classification: Uncertain significance. Last evaluated: 2025-05-01. Review status: criteria provided, single submitter. Criteria: ACMG Guidelines, 2015. Collection method: research, in vitro. Allele origin: inherited, not applicable. Affected: yes. Functional consequence: decreased enzyme activity.
Comment: An inherited frameshift variant in exon 2 of 5 (NM_000665.5:c.11dup, p.Gln5AlafsTer28), predicted to introduce a premature termination codon and trigger nonsense-mediated decay (pLI = 0.81). Functional studies demonstrated almost no enzymatic activity in HEK293 cells transfected with constructs carrying this variant.

NM_000665.5(ACHE):c.11dup (p.Gln5fs)

Gene: ACHE (acetylcholinesterase (Yt blood group); minus strand). Cytogenetic location: 7q22.1.
Variant type: Duplication.
Coding change: c.11dup on transcript NM_000665.5 (MANE Select); coding-DNA position 11, one base duplicated (C; older notation c.11dupC).
Protein change: p.Gln5fs; shifts the reading frame from glutamine 5.
Molecular consequence: frameshift variant. On other transcripts: non-coding transcript variant (2).
Genome position (GRCh38, 1-based): chr7:100,894,222, G duplicated on the plus strand (C on the coding strand, the reverse complement: ACHE is on the minus strand); the first of 5 consecutive G bases (chr7:100,894,222-100,894,226); duplicating any one gives the same sequence. VCF-style (leftmost placement, unchanged base first): chr7-100894221-C-CG. GRCh37 (hg19) VCF-style: chr7-100491842-C-CG.
Other names: c.11dup, p.Gln5fs (NM_001282449.2, NM_001302621.3, NM_001302622.2 and 2 more transcripts); c.212dup, p.Gln72fs (NM_001367918.1); c.209dup, p.Gln71fs (NM_001367919.2); short protein forms Q5fs, Q71fs, Q72fs.
Identifiers: ClinVar variation 4819196 (VCV004819196.1).